The following is an entry in ClinVar:

ClinVar aggregate classification (germline): Uncertain significance. Review status: criteria provided, multiple submitters, no conflicts (2 of 4 stars). 2 submissions from 2 submitters: Uncertain significance (2). Last evaluated 2023-11-06.

Conditions:
Inborn genetic diseases. Identifiers: MedGen C0950123, MeSH D030342.

Allele frequency attached by ClinVar (database versions not stated): TOPMed below 0.00001; gnomAD 0.00001; gnomAD exomes 0.00003.
gnomAD v4.1: 51 of 1,613,910 alleles (0.0032%); highest among the groups gnomAD compares: Non-Finnish European, 0.0042%; no homozygotes.

Submissions (2):

Ambry Genetics
Classification: Uncertain significance for Inborn genetic diseases. Last evaluated: 2023-11-06. Review status: criteria provided, single submitter. Criteria: Ambry Variant Classification Scheme 2023. Collection method: clinical testing. Allele origin: germline.

Labcorp Genetics (formerly Invitae), Labcorp
Classification: Uncertain significance. Last evaluated: 2021-12-23. Review status: criteria provided, single submitter. Criteria: Invitae Variant Classification Sherloc (09022015). Collection method: clinical testing. Allele origin: germline.
Comment: This sequence change replaces glycine, which is neutral and non-polar, with serine, which is neutral and polar, at codon 918 of the ERCC6 protein (p.Gly918Ser). This variant is present in population databases (no rsID available, gnomAD 0.004%). This variant has not been reported in the literature in individuals affected with ERCC6-related conditions. Algorithms developed to predict the effect of missense changes on protein structure and function (SIFT, PolyPhen-2, Align-GVGD) all suggest that this variant is likely to be disruptive. Algorithms developed to predict the effect of sequence changes on RNA splicing suggest that this variant may create or strengthen a splice site. In summary, the available evidence is currently insufficient to determine the role of this variant in disease. Therefore, it has been classified as a Variant of Uncertain Significance.

NM_000124.4(ERCC6):c.2752G>A (p.Gly918Ser)

Genes: ERCC6 (ERCC excision repair 6, chromatin remodeling factor; minus strand), LOC126860933 (BRD4-independent group 4 enhancer GRCh37_chr10:50679962-50681161; plus strand). Cytogenetic location: 10q11.23.
Variant type: single nucleotide variant.
Coding change: c.2752G>A on transcript NM_000124.4 (MANE Select); coding-DNA position 2752, G replaced by A.
Protein change: p.Gly918Ser; replaces glycine 918 with serine.
Molecular consequence: missense variant.
Genome position (GRCh38, 1-based): chr10:49,472,986, C>T on the plus strand (G>A on the coding strand, the complement: ERCC6 is on the minus strand). VCF-style: chr10-49472986-C-T. GRCh37 (hg19) VCF-style: chr10-50681032-C-T.
Other names: c.2752G>A, p.Gly918Ser (NM_001346440.2); short protein forms G918S.
Identifiers: ClinVar variation 2165873 (VCV002165873.2), dbSNP rs1253275181, ClinGen allele CA376719400.